The following is an entry in ClinVar:

NM_001351132.2(PEX5):c.1413G>A (p.Val471=)

Gene: PEX5 (peroxisomal biogenesis factor 5; plus strand). Cytogenetic location: 12p13.31.
Variant type: single nucleotide variant.
Coding change: c.1413G>A on transcript NM_001351132.2 (MANE Select); coding-DNA position 1413, G replaced by A.
Protein change: p.Val471=; no amino-acid change (valine 471 retained).
Molecular consequence: synonymous variant.
Genome position (GRCh38, 1-based): chr12:7,209,023, G>A. VCF-style: chr12-7209023-G-A. GRCh37 (hg19) VCF-style: chr12-7361619-G-A.
Other names: c.1389G>A, p.Val463= (NM_000319.5); c.1458G>A, p.Val486= (NM_001131023.2); c.1302G>A, p.Val434= (NM_001131024.2, NM_001351124.3, NM_001351126.2 and 7 more transcripts); c.1413G>A, p.Val471= (NM_001131025.2, NM_001131026.2, NM_001300789.3 and 4 more transcripts); c.1347G>A, p.Val449= (NM_001351135.3, NM_001351138.2); c.1404G>A, p.Val468= (NM_001351136.2); c.1278G>A, p.Val426= (NM_001351139.2, NM_001351140.2, NM_001374649.2); c.1413G>A (NM_001131025.1).
Identifiers: ClinVar variation 1127402 (VCV001127402.12), dbSNP rs115760878, ClinGen allele CA6426462.

ClinVar aggregate classification (germline): Likely benign. Review status: criteria provided, single submitter (1 of 4 stars). 2 submissions from 2 submitters: Likely benign (1). 1 of the submissions does not count toward it. Last evaluated 2025-11-18.

Conditions:
Peroxisome biogenesis disorder 2B (PBD2B). Identifiers: Orphanet 44, MedGen C3550234, MONDO:0008736, OMIM 202370.
PEX5-related disorder. Also called: PEX5-Related Disorders; PEX5-related condition.

gnomAD v4.1: 6 of 1,614,014 alleles (0.00037%); highest among the groups gnomAD compares: African/African-American, 0.004%; no homozygotes.

Submissions (2):

Labcorp Genetics (formerly Invitae), Labcorp
Classification: Likely benign for Peroxisome biogenesis disorder 2B. Last evaluated: 2025-11-18. Review status: criteria provided, single submitter. Criteria: Invitae Variant Classification Sherloc (09022015). Collection method: clinical testing. Allele origin: germline.

PreventionGenetics, part of Exact Sciences
Classification: Likely benign for PEX5-related condition. Last evaluated: 2023-04-12. Review status: no assertion criteria provided. Collection method: clinical testing. Allele origin: germline. Not counted in ClinVar's aggregate classification.
Comment: This variant is classified as likely benign based on ACMG/AMP sequence variant interpretation guidelines (Richards et al. 2015 PMID: 25741868, with internal and published modifications).